The following is an entry in ClinVar:

NM_003659.4(AGPS):c.1152C>A (p.Val384=)

Gene: AGPS (alkylglycerone phosphate synthase; plus strand). Cytogenetic location: 2q31.2.
Variant type: single nucleotide variant.
Coding change: c.1152C>A on transcript NM_003659.4 (MANE Select); coding-DNA position 1152, C replaced by A.
Protein change: p.Val384=; no amino-acid change (valine 384 retained).
Molecular consequence: synonymous variant.
Genome position (GRCh38, 1-based): chr2:177,482,105, C>A. VCF-style: chr2-177482105-C-A. GRCh37 (hg19) VCF-style: chr2-178346833-C-A.
Identifiers: ClinVar variation 332518 (VCV000332518.17), dbSNP rs529236041, ClinGen allele CA1980237.

ClinVar aggregate classification (germline): Benign/Likely benign. Review status: criteria provided, multiple submitters, no conflicts (2 of 4 stars). 4 submissions from 4 submitters: Benign (1); Likely benign (2). 1 of the submissions does not count toward it. Last evaluated 2026-08-01.

Conditions:
Rhizomelic chondrodysplasia punctata type 3 (RCDP3). Also called: Alkylglycerone Phosphate Synthase (AGPS) deficiency; ALKYLDIHYDROXYACETONEPHOSPHATE SYNTHASE DEFICIENCY. Identifiers: Orphanet 177, Orphanet 309803, MedGen C1838612, MONDO:0010823, OMIM 600121. Disease mechanism: loss of function.

Allele frequency attached by ClinVar (database versions not stated): gnomAD below 0.00001 and 0.00011; TOPMed 0.00002; gnomAD exomes 0.00058; ExAC 0.00067; 1000 Genomes Project 30x 0.00187; 1000 Genomes Project 0.00200.

Submissions (4):

CeGaT Center for Human Genetics Tuebingen
Classification: Likely benign. Last evaluated: 2026-08-01. Review status: criteria provided, single submitter. Criteria: CeGaT Center For Human Genetics Tuebingen Variant Classification Criteria Version 2. Collection method: clinical testing. Allele origin: germline. Affected: yes. Observed: 1 variant allele.
Comment: AGPS: BP4, BP7

Labcorp Genetics (formerly Invitae), Labcorp
Classification: Benign. Last evaluated: 2026-01-18. Review status: criteria provided, single submitter. Criteria: Invitae Variant Classification Sherloc (09022015). Collection method: clinical testing. Allele origin: germline.

Illumina Laboratory Services, Illumina
Classification: Likely benign for Rhizomelic chondrodysplasia punctata type 3. Last evaluated: 2018-01-13. Review status: criteria provided, single submitter. Criteria: ICSL Variant Classification Criteria 13 December 2019. Collection method: clinical testing. Allele origin: germline.
Comment: This variant was observed in the ICSL laboratory as part of a predisposition screen in an ostensibly healthy population. It had not been previously curated by ICSL or reported in the Human Gene Mutation Database (HGMD: prior to June 1st, 2018), and was therefore a candidate for classification through an automated scoring system. Utilizing variant allele frequency, disease prevalence and penetrance estimates, and inheritance mode, an automated score was calculated to assess if this variant is too frequent to cause the disease. Based on the score and internal cut-off values, a variant classified as likely benign is not then subjected to further curation. The score for this variant resulted in a classification of likely benign for this disease.

Natera, Inc.
Classification: Benign for Rhizomelic chondrodysplasia punctata, type 3. Last evaluated: 2019-10-28. Review status: no assertion criteria provided. Collection method: clinical testing. Allele origin: germline. Not counted in ClinVar's aggregate classification.